The following is an entry in ClinVar:

NM_182916.3(TRNT1):c.824T>C (p.Leu275Ser)

Gene: TRNT1 (tRNA nucleotidyl transferase 1; plus strand). Cytogenetic location: 3p26.2.
Variant type: single nucleotide variant.
Coding change: c.824T>C on transcript NM_182916.3 (MANE Select); coding-DNA position 824, T replaced by C.
Protein change: p.Leu275Ser; replaces leucine 275 with serine.
Molecular consequence: missense variant. On other transcripts: non-coding transcript variant (8).
Genome position (GRCh38, 1-based): chr3:3,147,471, T>C. VCF-style: chr3-3147471-T-C. GRCh37 (hg19) VCF-style: chr3-3189155-T-C.
Other names: c.764T>C, p.Leu255Ser (NM_001302946.2); c.824T>C, p.Leu275Ser (NM_001367321.1, NM_001367322.1, NM_001367323.1); short protein forms L255S, L275S.
Identifiers: ClinVar variation 1900436 (VCV001900436.5), dbSNP rs1257075413, ClinGen allele CA351447386.

ClinVar aggregate classification (germline): Uncertain significance. Review status: criteria provided, multiple submitters, no conflicts (2 of 4 stars). 2 submissions from 2 submitters: Uncertain significance (2). Last evaluated 2022-05-12.

Conditions:
Congenital sideroblastic anemia-B-cell immunodeficiency-periodic fever-developmental delay syndrome. Also called: Sideroblastic anemia with B-cell immunodeficiency, periodic fevers, and developmental delay. Identifiers: Orphanet 369861, MedGen C4015172, MONDO:0014487, OMIM 616084.

Allele frequency attached by ClinVar (database versions not stated): gnomAD 0.00001; gnomAD exomes 0.00001.
gnomAD v4.1: 8 of 1,613,498 alleles (0.0005%); highest among the groups gnomAD compares: South Asian, 0.0011%; no homozygotes.

Submissions (2):

Labcorp Genetics (formerly Invitae), Labcorp
Classification: Uncertain significance for Congenital sideroblastic anemia-B-cell immunodeficiency-periodic fever-developmental delay syndrome. Last evaluated: 2022-05-12. Review status: criteria provided, single submitter. Criteria: Invitae Variant Classification Sherloc (09022015). Collection method: clinical testing. Allele origin: germline.
Comment: In summary, the available evidence is currently insufficient to determine the role of this variant in disease. Therefore, it has been classified as a Variant of Uncertain Significance. Algorithms developed to predict the effect of missense changes on protein structure and function (SIFT, PolyPhen-2, Align-GVGD) all suggest that this variant is likely to be disruptive. This variant has not been reported in the literature in individuals affected with TRNT1-related conditions. This variant is present in population databases (no rsID available, gnomAD 0.0009%). This sequence change replaces leucine, which is neutral and non-polar, with serine, which is neutral and polar, at codon 275 of the TRNT1 protein (p.Leu275Ser).

Blueprint Genetics
Classification: Uncertain significance. Last evaluated: 2021-08-18. Review status: criteria provided, single submitter. Criteria: ACMG Guidelines, 2015. Collection method: clinical testing. Allele origin: germline.